The following is an entry in ClinVar:

ClinVar aggregate classification (germline): Uncertain significance (1 of 4 stars; one submission).

Conditions:
Intellectual developmental disorder with hypotonia, impaired speech, and dysmorphic facies (IDDHISD). Identifiers: MedGen C5561997, MONDO:0859197, OMIM 619556.

Allele frequency attached by ClinVar (database versions not stated): gnomAD exomes below 0.00001.
gnomAD v4.1: 2 of 1,614,010 alleles (0.00012%); highest among the groups gnomAD compares: Non-Finnish European, 0.00017%; no homozygotes.

Submission:

3billion
Classification: Uncertain significance for Intellectual developmental disorder with hypotonia, impaired speech, and dysmorphic facies. Last evaluated: 2022-01-03. Review status: criteria provided, single submitter. Criteria: ACMG Guidelines, 2015. Collection method: clinical testing. Allele origin: germline. Affected: yes. Observed: 1 heterozygote.
Comment: The variant is not observed in the gnomAD v2.1.1 dataset (PM2_M). In silico tool predictions suggest damaging effect of the variant on gene or gene product (REVEL: 0.61, PP3_P). Therefore, this variant is classified as uncertain significance according to the recommendation of ACMG/AMP guideline.

NM_001382241.1(TNPO2):c.1543T>C (p.Tyr515His)

Gene: TNPO2 (transportin 2; minus strand). Cytogenetic location: 19p13.13.
Variant type: single nucleotide variant.
Coding change: c.1543T>C on transcript NM_001382241.1 (MANE Select); coding-DNA position 1543, T replaced by C.
Protein change: p.Tyr515His; replaces tyrosine 515 with histidine.
Molecular consequence: missense variant. On other transcripts: non-coding transcript variant (6).
Genome position (GRCh38, 1-based): chr19:12,706,321, A>G on the plus strand (T>C on the coding strand, the complement: TNPO2 is on the minus strand). VCF-style: chr19-12706321-A-G. GRCh37 (hg19) VCF-style: chr19-12817135-A-G.
Other names: c.1543T>C, p.Tyr515His (NM_001136195.2, NM_001136196.2, NM_001382236.1 and 7 more transcripts); short protein forms Y515H.
Identifiers: ClinVar variation 1333687 (VCV001333687.1), dbSNP rs2145493260, ClinGen allele CA404241868.
Genomic context (GRCh38, chr19:12,706,321, plus strand): 5'-GGTTCTTGTGCTGGTATTTCCCAAAGGCAAAGACAAGGGTGTCCAGGATGTAGCTGAGGT[A>G]GGGCACCAGCTCCGTGCAGGCCTCTTCCTCCAGGGTGGCAAAAGCACTGGTGGGAGGGAG-3'
Protein context (NP_001369170.1, residues 505-525): EEEACTELVP[Tyr515His]LSYILDTLVF